The following is an entry in ClinVar:

NM_000455.5(STK11):c.1063G>A (p.Asp355Asn)

Genes: STK11 (serine/threonine kinase 11; plus strand), LOC130062899 (ATAC-STARR-seq lymphoblastoid active region 13597; plus strand). Cytogenetic location: 19p13.3.
Variant type: single nucleotide variant.
Coding change: c.1063G>A on transcript NM_000455.5 (MANE Select); coding-DNA position 1063, G replaced by A.
Protein change: p.Asp355Asn; replaces aspartic acid 355 with asparagine.
Molecular consequence: missense variant.
Genome position (GRCh38, 1-based): chr19:1,223,127, G>A. VCF-style: chr19-1223127-G-A. GRCh37 (hg19) VCF-style: chr19-1223126-G-A.
Other names: short protein forms D355N.
Identifiers: ClinVar variation 439299 (VCV000439299.49), dbSNP rs769403473, ClinGen allele CA044986.
Genomic context (GRCh38, chr19:1,223,127, plus strand): 5'-ATGACTGTGGTGCCGTACTTGGAGGACCTGCACGGCGCGGACGAGGACGAGGACCTCTTC[G>A]ACATCGAGGATGACATCATCTACACTCAGGACTTCACGGTGCCCGGTGAGTCTGGCGGGG-3'
Protein context (NP_000446.1, residues 345-365): HGADEDEDLF[Asp355Asn]IEDDIIYTQD

ClinVar aggregate classification (germline): Conflicting classifications of pathogenicity. Review status: criteria provided, conflicting classifications (1 of 4 stars). 7 submissions from 7 submitters: Uncertain significance (5); Likely benign (2). Last evaluated 2026-01-01.

Conditions:
Hereditary cancer-predisposing syndrome. Also called: Hereditary neoplastic syndrome; Tumor predisposition; Hereditary Cancer Syndrome; Neoplastic Syndromes, Hereditary. Identifiers: Orphanet 140162, MedGen C0027672, MeSH D009386, MONDO:0015356.
Peutz-Jeghers syndrome (PJS). Also called: POLYPOSIS, HAMARTOMATOUS INTESTINAL; POLYPS-AND-SPOTS SYNDROME; Peutz-Jeghers polyposis; Periorificial lentiginosis syndrome. Identifiers: Orphanet 2869, MedGen C0031269, MeSH D010580, MONDO:0008280, OMIM 175200.

Allele frequency attached by ClinVar (database versions not stated): ExAC below 0.00001; TOPMed below 0.00001.

Submissions (7):

Labcorp Genetics (formerly Invitae), Labcorp
Classification: Likely benign for Peutz-Jeghers syndrome. Last evaluated: 2026-01-01. Review status: criteria provided, single submitter. Criteria: Invitae Variant Classification Sherloc (09022015). Collection method: clinical testing. Allele origin: germline.

Ambry Genetics
Classification: Likely benign for Hereditary cancer-predisposing syndrome. Last evaluated: 2024-04-18. Review status: criteria provided, single submitter. Criteria: Ambry Variant Classification Scheme 2023. Collection method: clinical testing. Allele origin: germline.

CeGaT Center for Human Genetics Tuebingen
Classification: Uncertain significance. Last evaluated: 2022-09-01. Review status: criteria provided, single submitter. Criteria: CeGaT Center For Human Genetics Tuebingen Variant Classification Criteria Version 2. Collection method: clinical testing. Allele origin: germline. Affected: yes. Observed: 1 variant allele.
Comment: STK11: PM2, BP4

Genome-Nilou Lab
Classification: Uncertain significance for Peutz-Jeghers syndrome. Last evaluated: 2021-07-15. Review status: criteria provided, single submitter. Criteria: ACMG Guidelines, 2015. Collection method: clinical testing. Allele origin: germline. Affected: no.

Department of Pathology and Laboratory Medicine, Sinai Health System
Classification: Uncertain significance for Peutz-Jeghers syndrome. Last evaluated: 2020-05-13. Review status: criteria provided, single submitter. Criteria: ACMG Guidelines, 2015. Collection method: clinical testing. Allele origin: germline. Affected: yes.

Women's Health and Genetics/Laboratory Corporation of America, LabCorp
Classification: Uncertain significance. Last evaluated: 2018-03-12. Review status: criteria provided, single submitter. Criteria: LabCorp Variant Classification Summary - May 2015. Collection method: clinical testing. Allele origin: germline.
Comment: Variant summary: STK11 c.1063G>A (p.Asp355Asn) results in a conservative amino acid change in the encoded protein sequence. Four of five in-silico tools predict a benign effect of the variant on protein function. The variant of interest was observed with an allele frequency of 4.1e-06 in 2472790 control chromosomes (gnomAD). The available data on variant occurrences in the general population are insufficient to allow any conclusion about variant significance. The variant, c.1063G>A has been reported in the literature in individuals being tested on commercial cancer gene panels. These report(s) do not provide unequivocal conclusions about association of the variant with Peutz-Jeghers Syndrome. To our knowledge, no experimental evidence demonstrating an impact on protein function has been reported. A ClinVar submission from a clinical diagnostic laboratory (evaluation after 2014) cites the variant as "uncertain significance." Based on the evidence outlined above, the variant was classified as uncertain significance.

Quest Diagnostics Nichols Institute San Juan Capistrano
Classification: Uncertain significance. Last evaluated: 2016-10-13. Review status: criteria provided, single submitter. Criteria: Quest Diagnostics criteria. Collection method: clinical testing. Allele origin: germline.

Literature cited by the submitters: PubMed 25186627 (cited by 3 submitters); PubMed 30287823 (cited by Ambry Genetics and Department of Pathology and Laboratory Medicine, Sinai Health System); PubMed 33471991 (cited by Ambry Genetics); PubMed 26123645 (cited by Department of Pathology and Laboratory Medicine, Sinai Health System and Women's Health and Genetics/Laboratory Corporation of America, LabCorp).